The following is an entry in ClinVar:

ClinVar aggregate classification (germline): Uncertain significance. Review status: criteria provided, multiple submitters, no conflicts (2 of 4 stars). 2 submissions from 2 submitters: Uncertain significance (2). Last evaluated 2021-03-23.

Conditions:
Inborn genetic diseases. Identifiers: MedGen C0950123, MeSH D030342.
Charcot-Marie-Tooth disease. Also called: Charcot-Marie-Tooth Hereditary Neuropathy; Charcot-Marie-Tooth Neuropathy. Identifiers: Orphanet 166, MedGen C0007959, MONDO:0015626.

Allele frequency attached by ClinVar (database versions not stated): gnomAD exomes below 0.00001; TOPMed below 0.00001; ExAC 0.00001; gnomAD 0.00001.
gnomAD v4.1: 7 of 1,613,232 alleles (0.00043%); highest among the groups gnomAD compares: Non-Finnish European, 0.00059%; no homozygotes.

Submissions (2):

Ambry Genetics
Classification: Uncertain significance for Inborn genetic diseases. Last evaluated: 2021-03-23. Review status: criteria provided, single submitter. Criteria: Ambry Variant Classification Scheme 2023. Collection method: clinical testing. Allele origin: germline.
Comment: The p.R323W variant (also known as c.967C>T), located in coding exon 1 of the NEFL gene, results from a C to T substitution at nucleotide position 967. The arginine at codon 323 is replaced by tryptophan, an amino acid with dissimilar properties. This amino acid position is well conserved in available vertebrate species. In addition, this alteration is predicted to be deleterious by in silico analysis. Since supporting evidence is limited at this time, the clinical significance of this alteration remains unclear.

Molecular Genetics Laboratory, London Health Sciences Centre
Classification: Uncertain significance for Charcot-Marie-Tooth disease. Review status: criteria provided, single submitter. Criteria: ACMG Guidelines, 2015. Collection method: clinical testing. Allele origin: germline. Affected: yes.

NM_006158.5(NEFL):c.967C>T (p.Arg323Trp)

Gene: NEFL (neurofilament light chain; minus strand). Cytogenetic location: 8p21.2.
Variant type: single nucleotide variant.
Coding change: c.967C>T on transcript NM_006158.5 (MANE Select); coding-DNA position 967, C replaced by T.
Protein change: p.Arg323Trp; replaces arginine 323 with tryptophan.
Molecular consequence: missense variant.
Genome position (GRCh38, 1-based): chr8:24,955,549, G>A on the plus strand (C>T on the coding strand, the complement: NEFL is on the minus strand). VCF-style: chr8-24955549-G-A. GRCh37 (hg19) VCF-style: chr8-24813063-G-A.
Other names: short protein forms R323W.
Identifiers: ClinVar variation 916900 (VCV000916900.3), dbSNP rs764562926, ClinGen allele CA4681408.